The following is an entry in ClinVar:

ClinVar aggregate classification (germline): Uncertain significance (1 of 4 stars; one submission).

Submission:

Labcorp Genetics (formerly Invitae), Labcorp
Classification: Uncertain significance. Last evaluated: 2022-03-20. Review status: criteria provided, single submitter. Criteria: Invitae Variant Classification Sherloc (09022015). Collection method: clinical testing. Allele origin: germline.
Comment: This variant is not present in population databases (gnomAD no frequency). In summary, the available evidence is currently insufficient to determine the role of this variant in disease. Therefore, it has been classified as a Variant of Uncertain Significance. Algorithms developed to predict the effect of missense changes on protein structure and function (SIFT, PolyPhen-2, Align-GVGD) all suggest that this variant is likely to be tolerated. This variant has not been reported in the literature in individuals affected with OBSL1-related conditions. This sequence change replaces valine, which is neutral and non-polar, with leucine, which is neutral and non-polar, at codon 735 of the OBSL1 protein (p.Val735Leu).

NM_015311.3(OBSL1):c.2203G>T (p.Val735Leu)

Gene: OBSL1 (obscurin like cytoskeletal adaptor 1; minus strand). Cytogenetic location: 2q35.
Variant type: single nucleotide variant.
Coding change: c.2203G>T on transcript NM_015311.3 (MANE Select); coding-DNA position 2203, G replaced by T.
Protein change: p.Val735Leu; replaces valine 735 with leucine.
Molecular consequence: missense variant.
Genome position (GRCh38, 1-based): chr2:219,565,446, C>A on the plus strand (G>T on the coding strand, the complement: OBSL1 is on the minus strand). VCF-style: chr2-219565446-C-A. GRCh37 (hg19) VCF-style: chr2-220430168-C-A.
Other names: c.2203G>T, p.Val735Leu (NM_001173408.2, NM_001173431.2); short protein forms V735L.
Identifiers: ClinVar variation 2094159 (VCV002094159.4), dbSNP rs1287642747, ClinGen allele CA350752081.